The following is an entry in ClinVar:

NM_005502.4(ABCA1):c.5563G>A (p.Ala1855Thr)

Gene: ABCA1 (ATP binding cassette subfamily A member 1; minus strand). Cytogenetic location: 9q31.1.
Variant type: single nucleotide variant.
Coding change: c.5563G>A on transcript NM_005502.4 (MANE Select); coding-DNA position 5563, G replaced by A.
Protein change: p.Ala1855Thr; replaces alanine 1855 with threonine.
Molecular consequence: missense variant.
Genome position (GRCh38, 1-based): chr9:104,793,244, C>T on the plus strand (G>A on the coding strand, the complement: ABCA1 is on the minus strand). VCF-style: chr9-104793244-C-T. GRCh37 (hg19) VCF-style: chr9-107555525-C-T.
Other names: short protein forms A1855T.
Identifiers: ClinVar variation 4978600 (VCV004978600.1).
Genomic context (GRCh38, chr9:104,793,244, plus strand): 5'-AGAATCTGTACTGGATCAGAACAGTAATGAGGAAGAACACCACCCCTTCCACGGCCATGG[C>T]GAAGAGGTTTCGTCCCACCAAGTCCCAAGATAATGGTGACACAAAGCGATTCTCCCCTAG-3'
Protein context (NP_005493.2, residues 1845-1865): SWDLVGRNLF[Ala1855Thr]MAVEGVVFFL

ClinVar aggregate classification (germline): Uncertain significance (1 of 4 stars; one submission).

Conditions:
ABCA1-related disorder. Also called: ABCA1-related condition; ABCA1-related disorders. Identifiers: MedGen CN239173.

gnomAD v4.1: 9 of 1,614,018 alleles (0.00056%); highest among the groups gnomAD compares: South Asian, 0.0022%; no homozygotes.

Submission:

PreventionGenetics, part of Exact Sciences
Classification: Uncertain significance for ABCA1-related condition. Last evaluated: 2026-05-29. Review status: criteria provided, single submitter. Criteria: ACMG Guidelines, 2015. Collection method: clinical testing. Allele origin: germline.
Comment: The ABCA1 c.5563G>A variant is predicted to result in the amino acid substitution p.Ala1855Thr. To our knowledge, this variant has not been reported in the literature. This variant is reported in 0.0033% of alleles in individuals of South Asian descent in gnomAD. At this time, the clinical significance of this variant is uncertain due to the absence of conclusive functional and genetic evidence.